The following is an entry in ClinVar:

ClinVar aggregate classification (germline): Uncertain significance. Review status: criteria provided, multiple submitters, no conflicts (2 of 4 stars). 3 submissions from 3 submitters: Uncertain significance (3). Last evaluated 2026-03-20.

Conditions:
SAMD11-related disorder. Also called: SAMD11-related condition.

Allele frequency attached by ClinVar (database versions not stated): gnomAD exomes 0.00004 and 0.00009; TOPMed 0.00011; 1000 Genomes Project 30x 0.00031.

Submissions (3):

PreventionGenetics, part of Exact Sciences
Classification: Uncertain significance for SAMD11-related condition. Last evaluated: 2026-03-20. Review status: criteria provided, single submitter. Criteria: ACMG Guidelines, 2015. Collection method: clinical testing. Allele origin: germline.
Comment: The SAMD11 c.1246C>T variant is predicted to result in the amino acid substitution p.Pro416Ser. To our knowledge, this variant has not been reported in the literature. This variant is reported in 0.018% of alleles in individuals of European (Non-Finnish) descent in gnomAD. At this time, the clinical significance of this variant is uncertain due to the absence of conclusive functional and genetic evidence.

Ambry Genetics
Classification: Uncertain significance. Last evaluated: 2024-10-28. Review status: criteria provided, single submitter. Criteria: Ambry Variant Classification Scheme 2023. Collection method: clinical testing. Allele origin: germline.

Labcorp Genetics (formerly Invitae), Labcorp
Classification: Uncertain significance. Last evaluated: 2022-07-09. Review status: criteria provided, single submitter. Criteria: Invitae Variant Classification Sherloc (09022015). Collection method: clinical testing. Allele origin: germline.
Comment: In summary, the available evidence is currently insufficient to determine the role of this variant in disease. Therefore, it has been classified as a Variant of Uncertain Significance. Algorithms developed to predict the effect of missense changes on protein structure and function are either unavailable or do not agree on the potential impact of this missense change (SIFT: "Deleterious"; PolyPhen-2: "Benign"; Align-GVGD: "Class C65"). ClinVar contains an entry for this variant (Variation ID: 956033). This variant has not been reported in the literature in individuals affected with SAMD11-related conditions. This variant is present in population databases (no rsID available, gnomAD 0.02%). This sequence change replaces proline, which is neutral and non-polar, with serine, which is neutral and polar, at codon 416 of the SAMD11 protein (p.Pro416Ser).

NM_001385641.1(SAMD11):c.1735C>T (p.Pro579Ser)

Gene: SAMD11 (sterile alpha motif domain containing 11; plus strand). Cytogenetic location: 1p36.33.
Variant type: single nucleotide variant.
Coding change: c.1735C>T on transcript NM_001385641.1 (MANE Select); coding-DNA position 1735, C replaced by T.
Protein change: p.Pro579Ser; replaces proline 579 with serine.
Molecular consequence: missense variant.
Genome position (GRCh38, 1-based): chr1:942,740, C>T. VCF-style: chr1-942740-C-T. GRCh37 (hg19) VCF-style: chr1-878120-C-T.
Other names: c.1738C>T, p.Pro580Ser (NM_001385640.1); c.1246C>T, p.Pro416Ser (NM_152486.4); short protein forms P416S, P579S, P580S.
Identifiers: ClinVar variation 956033 (VCV000956033.11), dbSNP rs1020840285, ClinGen allele CA16724991.